The following is an entry in ClinVar:

NM_000138.5(FBN1):c.995G>A (p.Arg332His)

Genes: FBN1 (fibrillin 1; minus strand), LOC113939944 (Sharpr-MPRA regulatory region 9539; plus strand). Cytogenetic location: 15q21.1.
Variant type: single nucleotide variant.
Coding change: c.995G>A on transcript NM_000138.5 (MANE Select); coding-DNA position 995, G replaced by A.
Protein change: p.Arg332His; replaces arginine 332 with histidine.
Molecular consequence: missense variant.
Genome position (GRCh38, 1-based): chr15:48,520,811, C>T on the plus strand (G>A on the coding strand, the complement: FBN1 is on the minus strand). VCF-style: chr15-48520811-C-T. GRCh37 (hg19) VCF-style: chr15-48813008-C-T.
Other names: c.995G>A (NM_000138.4); short protein forms R332H.
Identifiers: ClinVar variation 1513116 (VCV001513116.9), dbSNP rs748929044, ClinGen allele CA060574.

ClinVar aggregate classification (germline): Uncertain significance. Review status: criteria provided, multiple submitters, no conflicts (2 of 4 stars). 4 submissions from 4 submitters: Uncertain significance (4). Last evaluated 2024-12-09.

Conditions:
Marfan syndrome (MFS). Also called: MARFAN SYNDROME, TYPE I; Marfan syndrome type 1; Marfan's syndrome; Marfan syndrome, classic; FBN1-Related Marfan Syndrome. Identifiers: Orphanet 284963, Orphanet 558, MedGen C0024796, MONDO:0007947, OMIM 154700.
Familial thoracic aortic aneurysm and aortic dissection (TAAD). Also called: Thoracic aortic aneurysms and dissections. Identifiers: Orphanet 91387, MedGen C4707243, MONDO:0019625.

Allele frequency attached by ClinVar (database versions not stated): TOPMed 0.00001; gnomAD exomes 0.00001; gnomAD 0.00001; ExAC 0.00002.
gnomAD v4.1: 33 of 1,613,944 alleles (0.002%); highest among the groups gnomAD compares: South Asian, 0.0077%; no homozygotes.

Submissions (4):

Women's Health and Genetics/Laboratory Corporation of America, LabCorp
Classification: Uncertain significance. Last evaluated: 2024-12-09. Review status: criteria provided, single submitter. Criteria: LabCorp Variant Classification Summary - May 2015. Collection method: clinical testing. Allele origin: germline.
Comment: Variant summary: FBN1 c.995G>A (p.Arg332His) results in a non-conservative amino acid change in the encoded protein sequence. Four of five in-silico tools predict a damaging effect of the variant on protein function. The variant allele was found at a frequency of 1.2e-05 in 251214 control chromosomes. The available data on variant occurrences in the general population are insufficient to allow any conclusion about variant significance. To our knowledge, no occurrence of c.995G>A in individuals affected with Aortopathy and no experimental evidence demonstrating its impact on protein function have been reported. ClinVar contains an entry for this variant (Variation ID: 1513116). Based on the evidence outlined above, the variant was classified as uncertain significance.

GeneDx
Classification: Uncertain significance. Last evaluated: 2024-06-28. Review status: criteria provided, single submitter. Criteria: GeneDx Variant Classification Process June 2021. Collection method: clinical testing. Allele origin: germline. Affected: yes.
Comment: Has not been previously published as pathogenic or benign to our knowledge; Not observed at significant frequency in large population cohorts (gnomAD); In silico analysis supports that this missense variant has a deleterious effect on protein structure/function; This variant is associated with the following publications: (PMID: 12938084)

Color Diagnostics, LLC DBA Color Health
Classification: Uncertain significance for Familial thoracic aortic aneurysm and aortic dissection. Last evaluated: 2024-02-22. Review status: criteria provided, single submitter. Criteria: ACMG Guidelines, 2015. Collection method: clinical testing. Allele origin: germline.
Comment: This missense variant replaces arginine with histidine at codon 332 of the FBN1 protein. Computational prediction suggests that this variant may not impact protein structure and function (internally defined REVEL score threshold <= 0.5, PMID: 27666373). To our knowledge, functional studies have not been reported for this variant. This variant has not been reported in individuals affected with FBN1-related disorders in the literature. This variant has been identified in 3/251214 chromosomes in the general population by the Genome Aggregation Database (gnomAD). The available evidence is insufficient to determine the role of this variant in disease conclusively. Therefore, this variant is classified as a Variant of Uncertain Significance.

Labcorp Genetics (formerly Invitae), Labcorp
Classification: Uncertain significance for Marfan syndrome; Familial thoracic aortic aneurysm and aortic dissection. Last evaluated: 2023-12-07. Review status: criteria provided, single submitter. Criteria: Invitae Variant Classification Sherloc (09022015). Collection method: clinical testing. Allele origin: germline.
Comment: This sequence change replaces arginine, which is basic and polar, with histidine, which is basic and polar, at codon 332 of the FBN1 protein (p.Arg332His). This variant is present in population databases (rs748929044, gnomAD 0.003%). This variant has not been reported in the literature in individuals affected with FBN1-related conditions. ClinVar contains an entry for this variant (Variation ID: 1513116). Advanced modeling of protein sequence and biophysical properties (such as structural, functional, and spatial information, amino acid conservation, physicochemical variation, residue mobility, and thermodynamic stability) has been performed at Invitae for this missense variant, however the output from this modeling did not meet the statistical confidence thresholds required to predict the impact of this variant on FBN1 protein function. This variant disrupts the p.Arg332 amino acid residue in FBN1. Other variant(s) that disrupt this residue have been determined to be pathogenic (PMID: 28973303, 33824467; Invitae). This suggests that this residue is clinically significant, and that variants that disrupt this residue are likely to be disease-causing. In summary, the available evidence is currently insufficient to determine the role of this variant in disease. Therefore, it has been classified as a Variant of Uncertain Significance.

Literature cited by the submitters: PubMed 28973303 (cited by Labcorp Genetics (formerly Invitae), Labcorp); PubMed 33824467 (cited by Labcorp Genetics (formerly Invitae), Labcorp).